The following is an entry in ClinVar:

ClinVar aggregate classification (germline): Likely benign. Review status: criteria provided, multiple submitters, no conflicts (2 of 4 stars). 2 submissions from 2 submitters: Likely benign (2). Last evaluated 2018-06-19.

Allele frequency attached by ClinVar (database versions not stated): gnomAD 0.02645 and 0.02634; 1000 Genomes Project 0.01597; TOPMed 0.02733; 1000 Genomes Project 30x 0.01530; gnomAD exomes 0.03703.

Submissions (2):

GeneDx
Classification: Likely benign. Last evaluated: 2018-06-19. Review status: criteria provided, single submitter. Criteria: GeneDx Variant Classification (06012015). Collection method: clinical testing. Allele origin: germline. Affected: yes.
Comment: This variant is considered likely benign or benign based on one or more of the following criteria: it is a conservative change, it occurs at a poorly conserved position in the protein, it is predicted to be benign by multiple in silico algorithms, and/or has population frequency not consistent with disease.

Breakthrough Genomics
Classification: Likely benign. Review status: criteria provided, single submitter. Criteria: ACMG Guidelines, 2015. Collection method: not provided. Allele origin: germline. Inheritance: Autosomal recessive inheritance. Affected: yes.

NM_153033.4(KCTD7):c.-277G>C

Genes: KCTD7 (potassium channel tetramerization domain containing 7; plus strand), LOC129998533 (ATAC-STARR-seq lymphoblastoid silent region 18210; plus strand). Cytogenetic location: 7q11.21.
Variant type: single nucleotide variant.
Coding change: c.-277G>C on transcript NM_153033.4; 277 bases upstream of the start codon, G replaced by C.
Genome position (GRCh38, 1-based): chr7:66,628,788, G>C. VCF-style: chr7-66628788-G-C. GRCh37 (hg19) VCF-style: chr7-66093775-G-C.
Identifiers: ClinVar variation 670913 (VCV000670913.4), dbSNP rs139497775, ClinGen allele CA12564399.